The following is an entry in ClinVar:

NM_000257.4(MYH7):c.201+121T>C

Gene: MYH7 (myosin heavy chain 7; minus strand). Cytogenetic location: 14q11.2.
Variant type: single nucleotide variant.
Coding change: c.201+121T>C on transcript NM_000257.4 (MANE Select); 121 bases into the intron after coding-DNA position 201, T replaced by C.
Molecular consequence: intron variant.
Genome position (GRCh38, 1-based): chr14:23,433,411, A>G on the plus strand (T>C on the coding strand, the complement: MYH7 is on the minus strand). VCF-style: chr14-23433411-A-G. GRCh37 (hg19) VCF-style: chr14-23902620-A-G.
Identifiers: ClinVar variation 674188 (VCV000674188.2), dbSNP rs3729995, ClinGen allele CA257826779.

ClinVar aggregate classification (germline): Benign. Review status: criteria provided, multiple submitters, no conflicts (2 of 4 stars). 2 submissions from 2 submitters: Benign (2). Last evaluated 2018-06-16.

Allele frequency attached by ClinVar (database versions not stated): gnomAD 0.03177 and 0.03403; 1000 Genomes Project 0.03295; 1000 Genomes Project 30x 0.03513; TOPMed 0.03597.
gnomAD v4.1: 9,278 of 1,434,702 alleles (0.65%); highest among the groups gnomAD compares: African/African-American, 11%; 460 homozygotes.

Submissions (2):

GeneDx
Classification: Benign. Last evaluated: 2018-06-16. Review status: criteria provided, single submitter. Criteria: GeneDx Variant Classification (06012015). Collection method: clinical testing. Allele origin: germline. Affected: yes.
Comment: This variant is considered likely benign or benign based on one or more of the following criteria: it is a conservative change, it occurs at a poorly conserved position in the protein, it is predicted to be benign by multiple in silico algorithms, and/or has population frequency not consistent with disease.

Breakthrough Genomics
Classification: Benign. Review status: criteria provided, single submitter. Criteria: ACMG Guidelines, 2015. Collection method: not provided. Allele origin: germline. Inheritance: Autosomal recessive inheritance. Affected: yes.